The following is an entry in ClinVar:

NM_004525.3(LRP2):c.3622G>A (p.Asp1208Asn)

Gene: LRP2 (LDL receptor related protein 2; minus strand). Cytogenetic location: 2q31.1.
Variant type: single nucleotide variant.
Coding change: c.3622G>A on transcript NM_004525.3 (MANE Select); coding-DNA position 3622, G replaced by A.
Protein change: p.Asp1208Asn; replaces aspartic acid 1208 with asparagine.
Molecular consequence: missense variant.
Genome position (GRCh38, 1-based): chr2:169,243,001, C>T on the plus strand (G>A on the coding strand, the complement: LRP2 is on the minus strand). VCF-style: chr2-169243001-C-T. GRCh37 (hg19) VCF-style: chr2-170099511-C-T.
Other names: short protein forms D1208N.
Identifiers: ClinVar variation 3242130 (VCV003242130.1), dbSNP rs2528381944.
Genomic context (GRCh38, chr2:169,243,001, plus strand): 5'-GTATGTGTTACTTACGACAGCCTGCTTCATCCGAGTTGTCACTGCAATCAAAAACACCAT[C>T]ACAACGATTTGTGACGCCAATACATTTATCCCCACTGGCACACTTGAATTGAGAAGCAGT-3'
Protein context (NP_004516.2, residues 1198-1218): DKCIGVTNRC[Asp1208Asn]GVFDCSDNSD

ClinVar aggregate classification (germline): Uncertain significance (1 of 4 stars; one submission).

Conditions:
Donnai-Barrow syndrome. Also called: DBS/FOAR SYNDROME; FACIOOCULOACOUSTICORENAL SYNDROME. Identifiers: Orphanet 2143, MedGen C1857277, MONDO:0009104, OMIM 222448.

Submission:

Neuberg Centre For Genomic Medicine, NCGM
Classification: Uncertain significance for Donnai-Barrow syndrome. Review status: criteria provided, single submitter. Criteria: ACMG Guidelines, 2015. Collection method: clinical testing. Allele origin: germline. Inheritance: Autosomal recessive inheritance. Affected: yes.
Comment: The observed missense c.3622G>A(p.Asp1208Asn) variant in LRP2 gene has not been reported previously as a pathogenic variant nor as a benign variant, to our knowledge. This variant is absent in gnomAD Exomes. The amino acid Asp at position 1208 is changed to a Asn changing protein sequence and it might alter its composition and physico-chemical properties. The amino acid change p.Asp1208Asn in LRP2 is predicted as conserved by GERP++ and PhyloP across 100 vertebrates. Multiple lines of computational evidence (Polyphen - Damaging, SIFT - Damaging and MutationTaster - Disease causing) predict a damaging effect on protein structure and function for this variant. For these reasons, this variant has been classified as Uncertain Significance.